The following is an entry in ClinVar:

NM_000324.3(RHAG):c.1025G>A (p.Gly342Asp)

Gene: RHAG (Rh associated glycoprotein; minus strand). Cytogenetic location: 6p12.3.
Variant type: single nucleotide variant.
Coding change: c.1025G>A on transcript NM_000324.3 (MANE Select); coding-DNA position 1025, G replaced by A.
Protein change: p.Gly342Asp; replaces glycine 342 with aspartic acid.
Molecular consequence: missense variant.
Genome position (GRCh38, 1-based): chr6:49,611,066, C>T on the plus strand (G>A on the coding strand, the complement: RHAG is on the minus strand). VCF-style: chr6-49611066-C-T. GRCh37 (hg19) VCF-style: chr6-49578779-C-T.
Other names: short protein forms G342D.
Identifiers: ClinVar variation 3678978 (VCV003678978.2).

ClinVar aggregate classification (germline): Uncertain significance (1 of 4 stars; one submission).

Submission:

Labcorp Genetics (formerly Invitae), Labcorp
Classification: Uncertain significance. Last evaluated: 2024-08-10. Review status: criteria provided, single submitter. Criteria: Invitae Variant Classification Sherloc (09022015). Collection method: clinical testing. Allele origin: germline.
Comment: This sequence change replaces glycine, which is neutral and non-polar, with aspartic acid, which is acidic and polar, at codon 342 of the RHAG protein (p.Gly342Asp). This variant is not present in population databases (gnomAD no frequency). This variant has not been reported in the literature in individuals affected with RHAG-related conditions. Advanced modeling of protein sequence and biophysical properties (such as structural, functional, and spatial information, amino acid conservation, physicochemical variation, residue mobility, and thermodynamic stability) performed at Invitae indicates that this missense variant is expected to disrupt RHAG protein function with a positive predictive value of 80%. In summary, the available evidence is currently insufficient to determine the role of this variant in disease. Therefore, it has been classified as a Variant of Uncertain Significance.